The following is an entry in ClinVar:

ClinVar aggregate classification (germline): Likely pathogenic (1 of 4 stars; one submission).

Conditions:
Neuromuscular disease caused by qualitative or quantitative defects of dysferlin. Also called: Qualitative or quantitative defects of dysferlin; Dysferlinopathy. Identifiers: Orphanet 207073, MedGen C2931687, MONDO:0016145.

Submission:

Labcorp Genetics (formerly Invitae), Labcorp
Classification: Likely pathogenic for Neuromuscular disease caused by qualitative or quantitative defects of dysferlin. Last evaluated: 2022-08-08. Review status: criteria provided, single submitter. Criteria: Invitae Variant Classification Sherloc (09022015). Collection method: clinical testing. Allele origin: germline.
Comment: This variant results in the deletion of part of exon 31 (c.3349-109_3382del) of the DYSF gene. It is expected to disrupt RNA splicing. Variants that disrupt the donor or acceptor splice site typically lead to a loss of protein function (PMID: 16199547), and loss-of-function variants in DYSF are known to be pathogenic (PMID: 17698709, 20301480). This variant is not present in population databases (gnomAD no frequency). This variant has not been reported in the literature in individuals affected with DYSF-related conditions. Algorithms developed to predict the effect of sequence changes on RNA splicing suggest that this variant may disrupt the consensus splice site. In summary, the currently available evidence indicates that the variant is pathogenic, but additional data are needed to prove that conclusively. Therefore, this variant has been classified as Likely Pathogenic.

Literature cited by the submitters: PubMed 16199547; PubMed 17698709; PubMed 20301480.

NM_001130987.2(DYSF):c.3403-109_3436del

Gene: DYSF (dysferlin; plus strand). Cytogenetic location: 2p13.2.
Variant type: Deletion.
Coding change: c.3403-109_3436del on transcript NM_001130987.2 (MANE Select); 109 bases into the intron before coding-DNA position 3403 through coding-DNA position 3436, 143 bases deleted.
Molecular consequence: splice acceptor variant.
Genome position (GRCh38, 1-based): chr2:71,589,484-71,589,626, 143 bases deleted. GRCh37 (hg19): chr2:71,816,614-71,816,756.
Other names: c.3442-109_3475del (NM_001130979.2); c.3400-109_3433del (NM_001130981.2, NM_001130980.2); c.3349-109_3382del (NM_001130978.2, NM_003494.4); c.3307-109_3340del (NM_001130977.2, NM_001130976.2); c.3445-109_3478del (NM_001130982.2); c.3403-109_3436del (NM_001130985.2); c.3352-109_3385del (NM_001130983.2, NM_001130455.2); c.3310-109_3343del (NM_001130984.2, NM_001130986.2).
Identifiers: ClinVar variation 2022885 (VCV002022885.4), dbSNP rs2545986584, ClinGen allele CA2580067765.